The following is an entry in ClinVar:

NM_005612.5(REST):c.416A>G (p.Asp139Gly)

Gene: REST (RE1 silencing transcription factor; plus strand). Cytogenetic location: 4q12.
Variant type: single nucleotide variant.
Coding change: c.416A>G on transcript NM_005612.5 (MANE Select); coding-DNA position 416, A replaced by G.
Protein change: p.Asp139Gly; replaces aspartic acid 139 with glycine.
Molecular consequence: missense variant.
Genome position (GRCh38, 1-based): chr4:56,911,054, A>G. VCF-style: chr4-56911054-A-G. GRCh37 (hg19) VCF-style: chr4-57777220-A-G.
Other names: c.416A>G, p.Asp139Gly (NM_001193508.2, NM_001363453.3); short protein forms D139G.
Identifiers: ClinVar variation 1418725 (VCV001418725.10), dbSNP rs112115500, ClinGen allele CA2932101.

ClinVar aggregate classification (germline): Uncertain significance. Review status: criteria provided, multiple submitters, no conflicts (2 of 4 stars). 3 submissions from 3 submitters: Uncertain significance (3). Last evaluated 2024-04-09.

Conditions:
Inborn genetic diseases. Identifiers: MedGen C0950123, MeSH D030342.
Autosomal dominant nonsyndromic hearing loss 27. Also called: Deafness, autosomal dominant 27. Identifiers: Orphanet 90635, MedGen C3887929, MONDO:0012902, OMIM 612431.
Wilms tumor 6 (WT6). Also called: WILMS TUMOR 6, SUSCEPTIBILITY TO. Identifiers: Orphanet 654, MedGen C3891301, MONDO:0014779, OMIM 616806.
Fibromatosis, gingival, 5. Also called: FIBROMATOSIS, GINGIVAL, HEREDITARY, 5. Identifiers: MedGen C4539942, MONDO:0033493, OMIM 617626.

Allele frequency attached by ClinVar (database versions not stated): gnomAD 0.00001; gnomAD exomes 0.00001 and 0.00002; ExAC 0.00002; 1000 Genomes Project 30x 0.00031.
gnomAD v4.1: 21 of 1,614,100 alleles (0.0013%); highest among the groups gnomAD compares: South Asian, 0.0077%; no homozygotes.

Submissions (3):

Labcorp Genetics (formerly Invitae), Labcorp
Classification: Uncertain significance. Last evaluated: 2024-04-09. Review status: criteria provided, single submitter. Criteria: Invitae Variant Classification Sherloc (09022015). Collection method: clinical testing. Allele origin: germline.
Comment: This sequence change replaces aspartic acid, which is acidic and polar, with glycine, which is neutral and non-polar, at codon 139 of the REST protein (p.Asp139Gly). This variant is present in population databases (rs112115500, gnomAD 0.003%). This variant has not been reported in the literature in individuals affected with REST-related conditions. ClinVar contains an entry for this variant (Variation ID: 1418725). An algorithm developed to predict the effect of missense changes on protein structure and function (PolyPhen-2) suggests that this variant is likely to be disruptive. In summary, the available evidence is currently insufficient to determine the role of this variant in disease. Therefore, it has been classified as a Variant of Uncertain Significance.

Fulgent Genetics
Classification: Uncertain significance for Autosomal dominant nonsyndromic hearing loss 27; Wilms tumor 6; Fibromatosis, gingival, 5. Last evaluated: 2024-01-10. Review status: criteria provided, single submitter. Criteria: ACMG Guidelines, 2015. Collection method: clinical testing. Allele origin: germline.

Ambry Genetics
Classification: Uncertain significance for Inborn genetic diseases. Last evaluated: 2023-12-31. Review status: criteria provided, single submitter. Criteria: Ambry Variant Classification Scheme 2023. Collection method: clinical testing. Allele origin: germline.